The following is an entry in ClinVar:

ClinVar aggregate classification (germline): Uncertain significance. Review status: criteria provided, single submitter (1 of 4 stars). 3 submissions from 2 submitters: Uncertain significance (1). 2 of the submissions do not count toward it. Last evaluated 2022-03-29.

Allele frequency attached by ClinVar (database versions not stated): gnomAD 0.00001 and 0.00002; gnomAD exomes 0.00001; TOPMed 0.00001.
gnomAD v4.1: 9 of 1,206,148 alleles (0.00075%); highest among the groups gnomAD compares: Non-Finnish European, 0.0009%; no homozygotes.

Submissions (3):

Labcorp Genetics (formerly Invitae), Labcorp
Classification: Uncertain significance. Last evaluated: 2022-03-29. Review status: criteria provided, single submitter. Criteria: Invitae Variant Classification Sherloc (09022015). Collection method: clinical testing. Allele origin: germline.
Comment: ClinVar contains an entry for this variant (Variation ID: 100836). In summary, the available evidence is currently insufficient to determine the role of this variant in disease. Therefore, it has been classified as a Variant of Uncertain Significance. Algorithms developed to predict the effect of missense changes on protein structure and function are either unavailable or do not agree on the potential impact of this missense change (SIFT: "Deleterious"; PolyPhen-2: "Probably Damaging"; Align-GVGD: "Class C0"). This variant has not been reported in the literature in individuals affected with CLCN4-related conditions. This variant is not present in population databases (gnomAD no frequency). This sequence change replaces threonine, which is neutral and polar, with methionine, which is neutral and non-polar, at codon 728 of the CLCN4 protein (p.Thr728Met).

Richard Lifton Laboratory, Yale University School of Medicine
Classification: Uncertain significance. Review status: no assertion criteria provided. Collection method: not provided. Allele origin: somatic. Not counted in ClinVar's aggregate classification.
Comment: CLCN4:p.T728M
ClinVar note: Converted during submission from unknown to Uncertain significance.

Richard Lifton Laboratory, Yale University School of Medicine
Classification: Likely pathogenic. Review status: flagged submission. Collection method: not provided. Allele origin: somatic. Not counted in ClinVar's aggregate classification.
ClinVar note: Converted during submission from probable-pathogenic to Likely pathogenic.
ClinVar note: Reason: This record appears to be redundant with a more recent record from the same submitter.
ClinVar note: Notes: SCV000120056 appears to be redundant with SCV000155159.

NM_001830.4(CLCN4):c.2183C>T (p.Thr728Met)

Gene: CLCN4 (chloride voltage-gated channel 4; plus strand). Cytogenetic location: Xp22.2.
Variant type: single nucleotide variant.
Coding change: c.2183C>T on transcript NM_001830.4 (MANE Select); coding-DNA position 2183, C replaced by T.
Protein change: p.Thr728Met; replaces threonine 728 with methionine.
Molecular consequence: missense variant.
Genome position (GRCh38, 1-based): chrX:10,220,868, C>T. VCF-style: chrX-10220868-C-T. GRCh37 (hg19) VCF-style: chrX-10188908-C-T.
Other names: c.1901C>T, p.Thr634Met (NM_001256944.2); short protein forms T728M, T634M.
Identifiers: ClinVar variation 100836 (VCV000100836.8), dbSNP rs483352716, ClinGen allele CA229096.